The following is an entry in ClinVar:

ClinVar aggregate classification (germline): Benign (1 of 4 stars; one submission).

Allele frequency attached by ClinVar (database versions not stated): gnomAD 0.93290 and 0.93667; TOPMed 0.93457; 1000 Genomes Project 30x 0.93894; 1000 Genomes Project 0.94629.
gnomAD v4.1: 142,601 of 152,210 alleles (94%); highest among the groups gnomAD compares: East Asian, 100%; 67,031 homozygotes.

Submissions (9):

GeneDx
Classification: Benign. Last evaluated: 2018-06-14. Review status: criteria provided, single submitter. Criteria: GeneDx Variant Classification (06012015). Collection method: clinical testing. Allele origin: germline. Affected: yes.
Comment: This variant is considered likely benign or benign based on one or more of the following criteria: it is a conservative change, it occurs at a poorly conserved position in the protein, it is predicted to be benign by multiple in silico algorithms, and/or has population frequency not consistent with disease.

Dr. Peter K. Rogan Lab, Western University
No classification provided (evidence only). Condition: Familial cancer of breast. Review status: no classification provided. Collection method: in vitro. Allele origin: not applicable. Functional consequence: retained intron. Not counted in ClinVar's aggregate classification.

Dr. Peter K. Rogan Lab, Western University
No classification provided (evidence only). Condition: Malignant lymphoma, large B-cell, diffuse. Review status: no classification provided. Collection method: in vitro. Allele origin: not applicable. Functional consequence: skipped exon, retained intron. Not counted in ClinVar's aggregate classification.

Dr. Peter K. Rogan Lab, Western University
No classification provided (evidence only). Condition: Malignant lymphoma, large B-cell, diffuse. Review status: no classification provided. Collection method: in vitro. Allele origin: not applicable. Functional consequence: skipped exon, retained intron. Not counted in ClinVar's aggregate classification.

Dr. Peter K. Rogan Lab, Western University
No classification provided (evidence only). Condition: Malignant lymphoma, large B-cell, diffuse. Review status: no classification provided. Collection method: in vitro. Allele origin: not applicable. Functional consequence: skipped exon, retained intron. Not counted in ClinVar's aggregate classification.

Dr. Peter K. Rogan Lab, Western University
No classification provided (evidence only). Condition: Malignant lymphoma, large B-cell, diffuse. Review status: no classification provided. Collection method: in vitro. Allele origin: not applicable. Functional consequence: retained intron. Not counted in ClinVar's aggregate classification.

Dr. Peter K. Rogan Lab, Western University
No classification provided (evidence only). Condition: Malignant lymphoma, large B-cell, diffuse. Review status: no classification provided. Collection method: in vitro. Allele origin: not applicable. Functional consequence: skipped exon. Not counted in ClinVar's aggregate classification.

Dr. Peter K. Rogan Lab, Western University
No classification provided (evidence only). Condition: Uterine carcinosarcoma. Review status: no classification provided. Collection method: in vitro. Allele origin: not applicable. Functional consequence: retained intron. Not counted in ClinVar's aggregate classification.

Dr. Peter K. Rogan Lab, Western University
No classification provided (evidence only). Condition: Uterine carcinosarcoma. Review status: no classification provided. Collection method: in vitro. Allele origin: not applicable. Functional consequence: retained intron. Not counted in ClinVar's aggregate classification.

NM_144599.5(NIPA1):c.317+190C>G

Gene: NIPA1 (NIPA magnesium transporter 1; plus strand). Cytogenetic location: 15q11.2.
Variant type: single nucleotide variant.
Coding change: c.317+190C>G on transcript NM_144599.5 (MANE Select); 190 bases into the intron after coding-DNA position 317, C replaced by G.
Molecular consequence: intron variant.
Genome position (GRCh38, 1-based): chr15:22,812,443, C>G. VCF-style: chr15-22812443-C-G. GRCh37 (hg19) VCF-style: chr15-23060625-G-C.
Other names: NC_000015.9:g.23060625G>C; c.92+190C>G (NM_001142275.1).
Identifiers: ClinVar variation 667673 (VCV000667673.2), dbSNP rs7168401, ClinGen allele CA14167866.